The following is an entry in ClinVar:

ClinVar aggregate classification (germline): Likely pathogenic (1 of 4 stars; one submission).

Submission:

Labcorp Genetics (formerly Invitae), Labcorp
Classification: Likely pathogenic. Last evaluated: 2023-03-26. Review status: criteria provided, single submitter. Criteria: Invitae Variant Classification Sherloc (09022015). Collection method: clinical testing. Allele origin: germline.
Comment: This variant is not present in population databases (gnomAD no frequency). In summary, the currently available evidence indicates that the variant is pathogenic, but additional data are needed to prove that conclusively. Therefore, this variant has been classified as Likely Pathogenic. Algorithms developed to predict the effect of sequence changes on RNA splicing suggest that this variant may disrupt the consensus splice site. ClinVar contains an entry for this variant (Variation ID: 940704). This variant has not been reported in the literature in individuals affected with TRMU-related conditions. This sequence change affects a donor splice site in intron 3 of the TRMU gene. It is expected to disrupt RNA splicing. Variants that disrupt the donor or acceptor splice site typically lead to a loss of protein function (PMID: 16199547), and loss-of-function variants in TRMU are known to be pathogenic (PMID: 19732863, 23625533).

Literature cited by the submitters: PubMed 16199547; PubMed 19732863; PubMed 23625533.

NM_018006.5(TRMU):c.355+2T>C

Gene: TRMU (tRNA mitochondrial 2-thiouridylase; plus strand). Cytogenetic location: 22q13.31.
Variant type: single nucleotide variant.
Coding change: c.355+2T>C on transcript NM_018006.5 (MANE Select); the canonical splice donor site of the intron after coding-DNA position 355, T replaced by C.
Molecular consequence: splice donor variant. On other transcripts: intron variant (3).
Genome position (GRCh38, 1-based): chr22:46,343,370, T>C. VCF-style: chr22-46343370-T-C. GRCh37 (hg19) VCF-style: chr22-46739267-T-C.
Other names: c.355+2T>C (NM_001282785.2); c.14-3052T>C (NM_001282782.2); c.-6-3052T>C (NM_001282783.2, NM_001282784.2).
Identifiers: ClinVar variation 940704 (VCV000940704.8), dbSNP rs2078172984, ClinGen allele CA411942573.